The following is an entry in ClinVar:

ClinVar aggregate classification (germline): Pathogenic (0 of 4 stars; one submission).

Conditions:
Fanconi anemia complementation group A (FANCA). Also called: Fanconi anemia, group A; FANCA-Related Fanconi Anemia. Identifiers: Orphanet 84, MedGen C3469521, MONDO:0009215, OMIM 227650.

Submission:

Leiden Open Variation Database
Classification: Pathogenic for Fanconi anemia complementation group A. Last evaluated: 2020-02-28. Review status: no assertion criteria provided. Collection method: curation. Allele origin: germline. Affected: yes.
Comment: Curator: Arleen D. Auerbach. Submitter to LOVD: Arleen D. Auerbach.

Literature cited by the submitters: PubMed 25168418.

NC_000016.10:g.89809195_89816657del

Genes: FANCA (FA complementation group A; minus strand), LOC112486223 (Sharpr-MPRA regulatory region 3988; plus strand), LOC130059839 (ATAC-STARR-seq lymphoblastoid silent region 7925; plus strand). Cytogenetic location: 16q24.3.
Variant type: Deletion.
Genome position: GRCh38: chr16:89,809,195-89,816,657. GRCh37 (hg19): chr16:89,875,603-89,883,065.
Identifiers: ClinVar variation 974073 (VCV000974073.2), ClinGen allele CA1139664983.